The following is an entry in ClinVar:

ClinVar aggregate classification (germline): Uncertain significance (1 of 4 stars; one submission).

gnomAD v4.1: 4 of 1,614,028 alleles (0.00025%); highest among the groups gnomAD compares: Admixed American, 0.0017%; no homozygotes.

Submission:

Labcorp Genetics (formerly Invitae), Labcorp
Classification: Uncertain significance. Last evaluated: 2024-07-11. Review status: criteria provided, single submitter. Criteria: Invitae Variant Classification Sherloc (09022015). Collection method: clinical testing. Allele origin: germline.
Comment: This sequence change replaces aspartic acid, which is acidic and polar, with asparagine, which is neutral and polar, at codon 1527 of the NALCN protein (p.Asp1527Asn). This variant is not present in population databases (gnomAD no frequency). This variant has not been reported in the literature in individuals affected with NALCN-related conditions. Advanced modeling of protein sequence and biophysical properties (such as structural, functional, and spatial information, amino acid conservation, physicochemical variation, residue mobility, and thermodynamic stability) performed at Invitae indicates that this missense variant is not expected to disrupt NALCN protein function with a negative predictive value of 80%. In summary, the available evidence is currently insufficient to determine the role of this variant in disease. Therefore, it has been classified as a Variant of Uncertain Significance.

NM_052867.4(NALCN):c.4579G>A (p.Asp1527Asn)

Gene: NALCN (sodium leak channel, non-selective; minus strand). Cytogenetic location: 13q32.3.
Variant type: single nucleotide variant.
Coding change: c.4579G>A on transcript NM_052867.4 (MANE Select); coding-DNA position 4579, G replaced by A.
Protein change: p.Asp1527Asn; replaces aspartic acid 1527 with asparagine.
Molecular consequence: missense variant.
Genome position (GRCh38, 1-based): chr13:101,065,429, C>T on the plus strand (G>A on the coding strand, the complement: NALCN is on the minus strand). VCF-style: chr13-101065429-C-T. GRCh37 (hg19) VCF-style: chr13-101717781-C-T.
Other names: c.4666G>A, p.Asp1556Asn (NM_001350748.2); c.4579G>A, p.Asp1527Asn (NM_001350749.2); c.4492G>A, p.Asp1498Asn (NM_001350750.2, NM_001350751.2); short protein forms D1527N, D1498N, D1556N.
Identifiers: ClinVar variation 3686839 (VCV003686839.2).
Genomic context (GRCh38, chr13:101,065,429, plus strand): 5'-GCCCCCATTCAGCCCTGCGAAAGCCTGCCTTGTACCTCAGGACATCATGGAAGGTGACGT[C>T]GCCGCCATTGTGGAGCCTCTCCATTTCGTAGCACATGTGCTTAAACAGGAGCTTGTCCTT-3'
Protein context (NP_443099.1, residues 1517-1537): YEMERLHNGG[Asp1527Asn]VTFHDVLSML